The following is an entry in ClinVar:

ClinVar aggregate classification (germline): Uncertain significance (1 of 4 stars; one submission).

Conditions:
SEMA6D-related disorder. Also called: SEMA6D-related condition.

Submission:

PreventionGenetics, part of Exact Sciences
Classification: Uncertain significance for SEMA6D-related condition. Last evaluated: 2025-11-06. Review status: criteria provided, single submitter. Criteria: ACMG Guidelines, 2015. Collection method: clinical testing. Allele origin: germline.
Comment: The SEMA6D c.461A>C variant is predicted to result in the amino acid substitution p.Glu154Ala. To our knowledge, this variant has not been reported in the literature or in a large population database (gnomAD), indicating this variant is rare. At this time, the clinical significance of this variant is uncertain due to the absence of conclusive functional and genetic evidence.

NM_001358351.3(SEMA6D):c.461A>C (p.Glu154Ala)

Gene: SEMA6D (semaphorin 6D; plus strand). Cytogenetic location: 15q21.1.
Variant type: single nucleotide variant.
Coding change: c.461A>C on transcript NM_001358351.3 (MANE Select); coding-DNA position 461, A replaced by C.
Protein change: p.Glu154Ala; replaces glutamic acid 154 with alanine.
Molecular consequence: missense variant.
Genome position (GRCh38, 1-based): chr15:47,761,674, A>C. VCF-style: chr15-47761674-A-C. GRCh37 (hg19) VCF-style: chr15-48053871-A-C.
Other names: c.461A>C, p.Glu154Ala (NM_001198999.2, NM_001358352.2, NM_020858.2 and 5 more transcripts); short protein forms E154A.
Identifiers: ClinVar variation 4992822 (VCV004992822.1).